The following is an entry in ClinVar:

ClinVar aggregate classification (germline): Pathogenic (1 of 4 stars; one submission).

Submission:

Quest Diagnostics Nichols Institute San Juan Capistrano
Classification: Pathogenic. Last evaluated: 2022-01-17. Review status: criteria provided, single submitter. Criteria: ACMG/ClinGen CNV Guidelines, 2019. Collection method: clinical testing. Allele origin: unknown.
Comment: The 16p12.2 deletion interval is associated with chromosome 16p12 deletion syndrome (OMIM 136570) (Girirajan et al. GeneReviews 2015. PMID: 25719193). Patients with deletions at this region may present with learning disability, developmental delay/intellectual disability, speech delay, craniofacial and skeletal abnormalities, congenital heart defects, and seizure (Antonacci, et al., Nat Genet. 2010 September; 42(9): 745-750, PMID: 20729854; Girirajan et al., Nature Genet. 42: 203-209, 2010, PMID: 20154674). The 16p12.2 microdeletion is inherited in an autosomal dominant manner; however, penetrance is incomplete. The majority (about 95%) of individuals with this microdeletion have inherited the microdeletion from a parent (who may or may not have clinical features related to the microdeletion) (ClinGen Dosage Sensitivity Curation Page).

GRCh37/hg19 16p12.2(chr16:21931248-22431357)x1

Genes: CDR2 (cerebellar degeneration related protein 2), EEF2K (eukaryotic elongation factor 2 kinase), MOSMO (modulator of smoothened), PDZD9 (PDZ domain containing 9), POLR3E (RNA polymerase III subunit E) and 3 more. Cytogenetic location: 16p12.2.
Variant type: copy number loss.
Change: copy number 1 (one copy instead of two) of chr16:21,931,248-22,431,357 (500.1 kb, GRCh37 coordinates, 1-based), cytogenetic band 16p12.2.
Identifiers: ClinVar variation 1808745 (VCV001808745.1).